The following is an entry in ClinVar:

NM_007294.4(BRCA1):c.5152+12A>G

Gene: BRCA1 (BRCA1 DNA repair associated; minus strand). Cytogenetic location: 17q21.31.
Variant type: single nucleotide variant.
Coding change: c.5152+12A>G on transcript NM_007294.4 (MANE Select); 12 bases into the intron after coding-DNA position 5152, A replaced by G.
Molecular consequence: intron variant.
Genome position (GRCh38, 1-based): chr17:43,063,862, T>C on the plus strand (A>G on the coding strand, the complement: BRCA1 is on the minus strand). VCF-style: chr17-43063862-T-C. GRCh37 (hg19) VCF-style: chr17-41215879-T-C.
Other names: c.1699+12A>G (NM_001408458.1, NM_001408461.1, NM_001408464.1 and 7 more transcripts); c.4261+12A>G (NM_001407967.1); c.4771+12A>G (NM_001407959.1); c.4885+12A>G (NM_001407931.1, NM_001407932.1, NM_001407928.1 and 4 more transcripts); c.5008+12A>G (NM_001407747.1, NM_001407745.1, NM_001407737.1 and 21 more transcripts); c.4768+12A>G (NM_001407962.1, NM_001407960.1); c.1339+12A>G (NM_001408512.1); c.1462+12A>G (NM_001408510.1); and 73 more.
Identifiers: ClinVar variation 2148450 (VCV002148450.5), dbSNP rs756586490, ClinGen allele CA053982.

ClinVar aggregate classification (germline): Benign/Likely benign. Review status: criteria provided, multiple submitters, no conflicts (2 of 4 stars). 2 submissions from 2 submitters: Benign (1); Likely benign (1). Last evaluated 2025-07-18.

Conditions:
Hereditary breast ovarian cancer syndrome. Also called: BRCA1- and BRCA2-Associated Hereditary Breast and Ovarian Cancer; Hereditary breast and/or ovarian cancer syndrome; Hereditary breast and ovarian cancer syndrome; Breast and ovarian cancer; Hereditary breast and ovarian cancer; Hereditary breast and ovarian cancer syndrome (HBOC). Identifiers: Orphanet 145, MedGen C0677776, MeSH D061325, MONDO:0003582. Disease mechanism: loss of function.
Breast-ovarian cancer, familial, susceptibility to, 2 (BROVCA2). Also called: BRCA2 Hereditary Breast and Ovarian Cancer. Identifiers: Orphanet 145, MedGen C2675520, MONDO:0012933, OMIM 612555. Disease mechanism: loss of function.

Allele frequency attached by ClinVar (database versions not stated): gnomAD exomes below 0.00001; ExAC 0.00001.

Submissions (2):

Dipartimento Di Medicina Di Precisione, Università Degli Studi Della Campania Luigi Vanvitelli
Classification: Benign for Breast-ovarian cancer, familial, susceptibility to, 2. Last evaluated: 2025-07-18. Review status: criteria provided, single submitter. Criteria: ACMG Guidelines, 2015. Collection method: clinical testing. Allele origin: germline. Inheritance: Autosomal dominant inheritance. Affected: yes. Observed: 1 heterozygote.
Comment: This is a novel intronic variant located 12 nucleotides downstream of exon 17, in intron 17 of the BRCA1 gene (c.5152+12A>G). In silico prediction tools do not suggest any impact on normal splicing. The variant is not reported in population databases and has no known disease association. Based on current evidence and ACMG guidelines, this variant is classified as benign.

Labcorp Genetics (formerly Invitae), Labcorp
Classification: Likely benign for Hereditary breast ovarian cancer syndrome. Last evaluated: 2025-03-09. Review status: criteria provided, single submitter. Criteria: Invitae Variant Classification Sherloc (09022015). Collection method: clinical testing. Allele origin: germline.

Literature cited by the submitters: DOI 10.3390/ijms26135928 (cited by Dipartimento Di Medicina Di Precisione, Università Degli Studi Della Campania Luigi Vanvitelli).